The following is an entry in ClinVar:

NM_000071.3(CBS):c.1221del (p.Trp408fs)

Gene: CBS (cystathionine beta-synthase; minus strand). Cytogenetic location: 21q22.3.
Variant type: Deletion.
Coding change: c.1221del on transcript NM_000071.3 (MANE Select); coding-DNA position 1221, one base deleted (C; older notation c.1221delC).
Protein change: p.Trp408fs; shifts the reading frame from tryptophan 408.
Molecular consequence: frameshift variant.
Genome position (GRCh38, 1-based): chr21:43,059,228, G deleted on the plus strand (C on the coding strand, the reverse complement: CBS is on the minus strand); the first of 3 consecutive G bases (chr21:43,059,228-43,059,230); deleting any one gives the same sequence. VCF-style (leftmost placement, unchanged base first): chr21-43059227-AG-A. GRCh37 (hg19) VCF-style: chr21-44479337-AG-A.
Other names: c.1221delC (NM_000071.2); c.1221del, p.Trp408fs (NM_001178008.3, NM_001178009.3, NM_001320298.2); c.906del, p.Trp303fs (NM_001321072.1); short protein forms W303fs, W408fs.
Identifiers: ClinVar variation 495530 (VCV000495530.11), dbSNP rs1361324844, ClinGen allele CA658684242.
Genomic context (GRCh38, chr21:43,059,227, plus strand): 5'-TGCCTGTCACACTGGGCAGGGCCAGCACAGGCAGCGGGTCTCCGGCCGAGCGGTCTTACC[AG>A]GGCTTCTTCTCCGTGAGGTCCTCCTCCTTCAGAAAGCCCTTCTGCAGCATCCACCTGTCG-3'

ClinVar aggregate classification (germline): Pathogenic. Review status: criteria provided, multiple submitters, no conflicts (2 of 4 stars). 3 submissions from 3 submitters: Pathogenic (2). 1 of the submissions does not count toward it. Last evaluated 2024-03-27.

Conditions:
Classic homocystinuria. Also called: Homocystinuria due to Cystathionine Beta-Synthase Deficiency; HOMOCYSTINURIA WITH OR WITHOUT RESPONSE TO PYRIDOXINE; Homocystinuria due to CBS deficiency; Cystathionine beta-synthase deficiency; CBS deficiency. Identifiers: Orphanet 394, MedGen C0751202, MONDO:0009352, OMIM 236200.
HYPERHOMOCYSTEINEMIA, THROMBOTIC, CBS-RELATED. Identifiers: MedGen C3150344, OMIM 236200.
Homocystinuria. Identifiers: MedGen C0019880, MONDO:0004737, HP:0002156.

Submissions (3):

Labcorp Genetics (formerly Invitae), Labcorp
Classification: Pathogenic for HYPERHOMOCYSTEINEMIA, THROMBOTIC, CBS-RELATED. Last evaluated: 2024-03-27. Review status: criteria provided, single submitter. Criteria: Invitae Variant Classification Sherloc (09022015). Collection method: clinical testing. Allele origin: germline.
Comment: This sequence change creates a premature translational stop signal (p.Trp408Glyfs*16) in the CBS gene. It is expected to result in an absent or disrupted protein product. Loss-of-function variants in CBS are known to be pathogenic (PMID: 10338090, 12124992). This variant is present in population databases (no rsID available, gnomAD 0.0009%). This premature translational stop signal has been observed in individual(s) with homocystinuria due to CBS deficiency (PMID: 12124992). ClinVar contains an entry for this variant (Variation ID: 495530). For these reasons, this variant has been classified as Pathogenic.

Women's Health and Genetics/Laboratory Corporation of America, LabCorp
Classification: Pathogenic for Homocystinuria. Last evaluated: 2022-10-10. Review status: criteria provided, single submitter. Criteria: LabCorp Variant Classification Summary - May 2015. Collection method: clinical testing. Allele origin: germline.
Comment: Variant summary: CBS c.1221delC (p.Trp408GlyfsX16) results in a premature termination codon, predicted to cause a truncation of the encoded protein or absence of the protein due to nonsense mediated decay, which are commonly known mechanisms for disease. Truncations downstream of this position have been classified as pathogenic by our laboratory. The variant allele was found at a frequency of 4e-06 in 251026 control chromosomes. c.1221delC has been reported in the literature in at least one individual affected with Homocystinuria. These data do not allow any conclusion about variant significance. To our knowledge, no experimental evidence demonstrating an impact on protein function has been reported. Two clinical diagnostic laboratories have submitted clinical-significance assessments for this variant to ClinVar after 2014 without evidence for independent evaluation. Both laboratories classified the variant as pathogenic/likely pathogenic. Based on the evidence outlined above, the variant was classified as pathogenic.

Counsyl
Classification: Likely pathogenic for Classic homocystinuria. Last evaluated: 2017-03-28. Review status: no assertion criteria provided. Collection method: clinical testing. Allele origin: unknown. Not counted in ClinVar's aggregate classification.

Literature cited by the submitters: PubMed 10338090 (cited by Labcorp Genetics (formerly Invitae), Labcorp); PubMed 12124992 (cited by 3 submitters).